The following is an entry in ClinVar:

ClinVar aggregate classification (germline): Pathogenic (1 of 4 stars; one submission).

Conditions:
Cortical dysplasia-focal epilepsy syndrome (PTHSL1). Also called: Pitt-Hopkins-like syndrome 1. Identifiers: Orphanet 163681, Orphanet 221150, MedGen C2750246, MONDO:0012400, OMIM 610042.

Submission:

Labcorp Genetics (formerly Invitae), Labcorp
Classification: Pathogenic for Cortical dysplasia-focal epilepsy syndrome. Last evaluated: 2017-12-15. Review status: criteria provided, single submitter. Criteria: Invitae Variant Classification Sherloc (09022015). Collection method: clinical testing. Allele origin: germline.
Comment: This variant is an out-of-frame deletion of the genomic region encompassing exons 9-10 of the CNTNAP2 gene. This creates a premature translational stop signal and is expected to result in an absent or disrupted protein product. This deletion has not been reported in the literature in individuals with CNTNAP2-related disease. Loss-of-function variants in CNTNAP2 are known to be pathogenic (PMID: 19896112, 25045150, 26843181). For these reasons, this variant has been classified as Pathogenic.

NC_000007.14:g.(?_147300141)_(147395780_?)del

Genes: CNTNAP2 (contactin associated protein 2; plus strand), MIR548F4 (microRNA 548f-4; minus strand). Cytogenetic location: 7q35.
Variant type: Deletion.
Identifiers: ClinVar variation 583989 (VCV000583989.1).